The following is an entry in ClinVar:

NM_005245.4(FAT1):c.11469T>G (p.Phe3823Leu)

Gene: FAT1 (FAT atypical cadherin 1; minus strand). Cytogenetic location: 4q35.2.
Variant type: single nucleotide variant.
Coding change: c.11469T>G on transcript NM_005245.4 (MANE Select); coding-DNA position 11469, T replaced by G.
Protein change: p.Phe3823Leu; replaces phenylalanine 3823 with leucine.
Molecular consequence: missense variant.
Genome position (GRCh38, 1-based): chr4:186,602,916, A>C on the plus strand (T>G on the coding strand, the complement: FAT1 is on the minus strand). VCF-style: chr4-186602916-A-C. GRCh37 (hg19) VCF-style: chr4-187524070-A-C.
Other names: c.11469T>G (NM_005245.3); short protein forms F3823L.
Identifiers: ClinVar variation 1501175 (VCV001501175.9), dbSNP rs769703872, ClinGen allele CA3165105.

ClinVar aggregate classification (germline): Uncertain significance. Review status: criteria provided, multiple submitters, no conflicts (2 of 4 stars). 2 submissions from 2 submitters: Uncertain significance (2). Last evaluated 2025-04-08.

Conditions:
Inborn genetic diseases. Identifiers: MedGen C0950123, MeSH D030342.

Allele frequency attached by ClinVar (database versions not stated): ExAC 0.00001; gnomAD 0.00001 and 0.00002; gnomAD exomes 0.00001; TOPMed 0.00001.
gnomAD v4.1: 13 of 1,613,846 alleles (0.00081%); highest among the groups gnomAD compares: East Asian, 0.0022%; 1 homozygote.

Submissions (2):

Ambry Genetics
Classification: Uncertain significance for Inborn genetic diseases. Last evaluated: 2025-04-08. Review status: criteria provided, single submitter. Criteria: Ambry Variant Classification Scheme 2023. Collection method: clinical testing. Allele origin: germline.

Labcorp Genetics (formerly Invitae), Labcorp
Classification: Uncertain significance. Last evaluated: 2024-10-07. Review status: criteria provided, single submitter. Criteria: Invitae Variant Classification Sherloc (09022015). Collection method: clinical testing. Allele origin: germline.
Comment: This sequence change replaces phenylalanine, which is neutral and non-polar, with leucine, which is neutral and non-polar, at codon 3823 of the FAT1 protein (p.Phe3823Leu). This variant is present in population databases (rs769703872, gnomAD 0.005%), including at least one homozygous and/or hemizygous individual. This variant has not been reported in the literature in individuals affected with FAT1-related conditions. ClinVar contains an entry for this variant (Variation ID: 1501175). An algorithm developed to predict the effect of missense changes on protein structure and function (PolyPhen-2) suggests that this variant is likely to be tolerated. In summary, the available evidence is currently insufficient to determine the role of this variant in disease. Therefore, it has been classified as a Variant of Uncertain Significance.